The following is an entry in ClinVar:

NM_001370595.2(COA8):c.196C>T (p.Arg66Ter)

Gene: COA8 (cytochrome c oxidase assembly factor 8; plus strand). Cytogenetic location: 14q32.33.
Variant type: single nucleotide variant.
Coding change: c.196C>T on transcript NM_001370595.2 (MANE Select); coding-DNA position 196, C replaced by T.
Protein change: p.Arg66Ter; replaces arginine 66 with a stop codon.
Molecular consequence: nonsense. On other transcripts: non-coding transcript variant (2).
Genome position (GRCh38, 1-based): chr14:103,571,695, C>T. VCF-style: chr14-103571695-C-T. GRCh37 (hg19) VCF-style: chr14-104038032-C-T.
Other names: R79*; NM_001302652.2:c.196C>T; c.196C>T, p.Arg66Ter (NM_001302653.2, NM_001302654.2); short protein forms R66*.
Identifiers: ClinVar variation 156421 (VCV000156421.4), dbSNP rs587777784, ClinGen allele CA170865.

ClinVar aggregate classification (germline): Pathogenic. Review status: criteria provided, multiple submitters, no conflicts (2 of 4 stars). 4 submissions from 4 submitters: Pathogenic (3). 1 of the submissions does not count toward it. Last evaluated 2025-06-02.

Conditions:
Mitochondrial complex IV deficiency, nuclear type 17. Also called: Mitochondrial complex 4 deficiency, nuclear type 17. Identifiers: MedGen C5436718, MONDO:0033652, OMIM 619061.

Allele frequency attached by ClinVar (database versions not stated): TOPMed 0.00003.
gnomAD v4.1: 41 of 1,614,026 alleles (0.0025%); highest among the groups gnomAD compares: Non-Finnish European, 0.0033%; no homozygotes.

Submissions (4):

Women's Health and Genetics/Laboratory Corporation of America, LabCorp
Classification: Pathogenic for Mitochondrial complex IV deficiency, nuclear type 17. Last evaluated: 2025-06-02. Review status: criteria provided, single submitter. Criteria: LabCorp Variant Classification Summary - May 2015. Collection method: clinical testing. Allele origin: germline.
Comment: Variant summary: COA8 c.196C>T (p.Arg66X) results in a premature termination codon, predicted to cause a truncation of the encoded protein or absence of the protein due to nonsense mediated decay, which are commonly known mechanisms for disease. The variant allele was found at a frequency of 2.5e-05 in 1614026 control chromosomes. This frequency is not significantly higher than estimated for a pathogenic variant in COA8 causing Mitochondrial Complex 4 Deficiency, Nuclear Type 17, allowing no conclusion about variant significance. c.196C>T has been observed in individual(s) affected with Mitochondrial Complex 4 Deficiency, Nuclear Type 17 (Melchionda_2014). These data indicate that the variant is likely to be associated with disease. To our knowledge, no experimental evidence demonstrating an impact on protein function has been reported. The following publication has been ascertained in the context of this evaluation (PMID: 25175347). ClinVar contains an entry for this variant (Variation ID: 156421). Based on the evidence outlined above, the variant was classified as pathogenic.

GeneDx
Classification: Pathogenic. Last evaluated: 2024-11-20. Review status: criteria provided, single submitter. Criteria: GeneDx Variant Classification Process June 2021. Collection method: clinical testing. Allele origin: germline. Affected: yes.
Comment: Nonsense variant predicted to result in protein truncation or nonsense mediated decay in a gene for which loss-of-function is a known mechanism of disease; Not observed at significant frequency in large population cohorts (gnomAD); This variant is associated with the following publications: (PMID: 34493867, 25175347)

Fulgent Genetics
Classification: Pathogenic for Mitochondrial complex IV deficiency, nuclear type 17. Last evaluated: 2021-07-20. Review status: criteria provided, single submitter. Criteria: ACMG Guidelines, 2015. Collection method: clinical testing. Allele origin: unknown.

OMIM
Classification: Pathogenic for MITOCHONDRIAL COMPLEX IV DEFICIENCY, NUCLEAR TYPE 17. Last evaluated: 2014-09-04. Review status: no assertion criteria provided. Collection method: literature only. Allele origin: germline. Not counted in ClinVar's aggregate classification.

Literature cited by the submitters: PubMed 25175347 (cited by Women's Health and Genetics/Laboratory Corporation of America, LabCorp and OMIM).